The following is an entry in ClinVar:

NM_016138.5(COQ7):c.234C>T (p.Ser78=)

Gene: COQ7 (coenzyme Q7, hydroxylase; plus strand). Cytogenetic location: 16p12.3.
Variant type: single nucleotide variant.
Coding change: c.234C>T on transcript NM_016138.5 (MANE Select); coding-DNA position 234, C replaced by T.
Protein change: p.Ser78=; no amino-acid change (serine 78 retained).
Molecular consequence: synonymous variant. On other transcripts: non-coding transcript variant (3).
Genome position (GRCh38, 1-based): chr16:19,072,088, C>T. VCF-style: chr16-19072088-C-T. GRCh37 (hg19) VCF-style: chr16-19083410-C-T.
Other names: p.Ser78=; c.120C>T, p.Ser40= (NM_001190983.2, NM_001370492.1, NM_001370493.1 and 2 more transcripts); c.192C>T, p.Ser64= (NM_001370489.1, NM_001370491.1); c.234C>T, p.Ser78= (NM_001370490.1).
Identifiers: ClinVar variation 785525 (VCV000785525.14), dbSNP rs11859129, ClinGen allele CA7932924.
Genomic context (GRCh38, chr16:19,072,088, plus strand): 5'-AGGCGAATATGGAGCAAACCGCATCTATGCCGGGCAGATGGCTGTCCTGGGTCGGACCAG[C>T]GTCGGGCCAGTCATTCAGGTGGGTGCTTCTTCATCTCCCTCACCCTGGTCTACTGAATGG-3'
Protein context (NP_057222.2, residues 68-88): AGQMAVLGRT[Ser78=]VGPVIQKMWD

ClinVar aggregate classification (germline): Benign. Review status: criteria provided, multiple submitters, no conflicts (2 of 4 stars). 4 submissions from 4 submitters: Benign (4). Last evaluated 2026-02-02.

Allele frequency attached by ClinVar (database versions not stated): gnomAD exomes 0.00138 and 0.00370; ExAC 0.00452; gnomAD 0.01278 and 0.01375; 1000 Genomes Project 0.01318; ESP Exome Variant Server 0.01362; 1000 Genomes Project 30x 0.01499; TOPMed 0.01505.
gnomAD v4.1: 4,002 of 1,614,100 alleles (0.25%); highest among the groups gnomAD compares: African/African-American, 4.5%; 87 homozygotes.

Submissions (4):

Labcorp Genetics (formerly Invitae), Labcorp
Classification: Benign. Last evaluated: 2026-02-02. Review status: criteria provided, single submitter. Criteria: Invitae Variant Classification Sherloc (09022015). Collection method: clinical testing. Allele origin: germline.

Mayo Clinic Laboratories, Mayo Clinic
Classification: Benign. Last evaluated: 2022-12-29. Review status: criteria provided, single submitter. Criteria: ACMG Guidelines, 2015. Collection method: clinical testing. Allele origin: germline. Observed: 8 variant alleles.
Comment: BA1

GeneDx
Classification: Benign. Last evaluated: 2019-08-09. Review status: criteria provided, single submitter. Criteria: GeneDx Variant Classification Process June 2021. Collection method: clinical testing. Allele origin: germline. Affected: yes.

Breakthrough Genomics
Classification: Benign. Review status: criteria provided, single submitter. Criteria: ACMG Guidelines, 2015. Collection method: not provided. Allele origin: germline. Inheritance: Autosomal recessive inheritance. Affected: yes.